The following is an entry in ClinVar:

NM_005733.3(KIF20A):c.1985_1988del (p.Ser662fs)

Gene: KIF20A (kinesin family member 20A; plus strand). Cytogenetic location: 5q31.2.
Variant type: Microsatellite.
Coding change: c.1985_1988del on transcript NM_005733.3 (MANE Select); coding-DNA positions 1985 to 1988, 4 bases deleted (CAGT; older notation c.1985_1988delCAGT).
Protein change: p.Ser662fs; shifts the reading frame from serine 662.
Molecular consequence: frameshift variant.
Genome position (GRCh38, 1-based): chr5:138,185,570-138,185,573, CAGT deleted; deleting any 4 consecutive bases within chr5:138,185,566-138,185,573 gives the same sequence; the c. name uses the placement nearest the transcript's 3' end. VCF-style (leftmost placement, unchanged base first): chr5-138185565-ACAGT-A. GRCh37 (hg19) VCF-style: chr5-137521254-ACAGT-A.
Other names: short protein forms S662fs.
Identifiers: ClinVar variation 2006362 (VCV002006362.4), dbSNP rs2482188964, ClinGen allele CA2580613669.

ClinVar aggregate classification (germline): Uncertain significance (1 of 4 stars; one submission).

Submission:

Labcorp Genetics (formerly Invitae), Labcorp
Classification: Uncertain significance. Last evaluated: 2022-06-14. Review status: criteria provided, single submitter. Criteria: Invitae Variant Classification Sherloc (09022015). Collection method: clinical testing. Allele origin: germline.
Comment: In summary, the available evidence is currently insufficient to determine the role of this variant in disease. Therefore, it has been classified as a Variant of Uncertain Significance. This sequence change creates a premature translational stop signal (p.Ser662Trpfs*41) in the KIF20A gene. It is expected to result in an absent or disrupted protein product. However, the current clinical and genetic evidence is not sufficient to establish whether loss-of-function variants in KIF20A cause disease. This variant is not present in population databases (gnomAD no frequency). This variant has not been reported in the literature in individuals affected with KIF20A-related conditions.